The following is an entry in ClinVar:

NM_001386393.1(PANK2):c.838A>G (p.Ile280Val)

Gene: PANK2 (pantothenate kinase 2; plus strand). Cytogenetic location: 20p13.
Variant type: single nucleotide variant.
Coding change: c.838A>G on transcript NM_001386393.1 (MANE Select); coding-DNA position 838, A replaced by G.
Protein change: p.Ile280Val; replaces isoleucine 280 with valine.
Molecular consequence: missense variant. On other transcripts: 5 prime UTR variant (1), non-coding transcript variant (1).
Genome position (GRCh38, 1-based): chr20:3,910,763, A>G. VCF-style: chr20-3910763-A-G. GRCh37 (hg19) VCF-style: chr20-3891410-A-G.
Other names: c.295A>G, p.Ile99Val (NM_001324191.2, NM_024960.6, NM_153640.4); c.-141A>G (NM_001324193.2); c.1168A>G, p.Ile390Val (NM_153638.4); short protein forms I99V, I280V, I390V.
Identifiers: ClinVar variation 1984951 (VCV001984951.4), dbSNP rs1248605291, ClinGen allele CA408115358.

ClinVar aggregate classification (germline): Uncertain significance (1 of 4 stars; one submission).

Conditions:
Pigmentary pallidal degeneration (NBIA1). Also called: PKAN NEUROAXONAL DYSTROPHY, JUVENILE-ONSET; Neurodegeneration with brain iron accumulation 1; Pantothenate Kinase-Associated Neurodegeneration; Neuroaxonal dystrophy, late infantile; Hallervorden-Spatz disease; HARP SYNDROME. Identifiers: Orphanet 157850, MedGen C0018523, MONDO:0009319, OMIM 234200.

Allele frequency attached by ClinVar (database versions not stated): gnomAD exomes below 0.00001; TOPMed 0.00001.
gnomAD v4.1: 2 of 1,614,162 alleles (0.00012%); highest among the groups gnomAD compares: East Asian, 0.0022%; no homozygotes.

Submission:

Labcorp Genetics (formerly Invitae), Labcorp
Classification: Uncertain significance for Pigmentary pallidal degeneration. Last evaluated: 2022-04-19. Review status: criteria provided, single submitter. Criteria: Invitae Variant Classification Sherloc (09022015). Collection method: clinical testing. Allele origin: germline.
Comment: In summary, the available evidence is currently insufficient to determine the role of this variant in disease. Therefore, it has been classified as a Variant of Uncertain Significance. Algorithms developed to predict the effect of missense changes on protein structure and function are either unavailable or do not agree on the potential impact of this missense change (SIFT: "Tolerated"; PolyPhen-2: "Possibly Damaging"; Align-GVGD: "Class C0"). This variant has not been reported in the literature in individuals affected with PANK2-related conditions. This variant is present in population databases (no rsID available, gnomAD 0.006%). This sequence change replaces isoleucine, which is neutral and non-polar, with valine, which is neutral and non-polar, at codon 390 of the PANK2 protein (p.Ile390Val).